The following is an entry in ClinVar:

ClinVar aggregate classification (germline): Uncertain significance (1 of 4 stars; one submission).

Conditions:
SEMA3B-related disorder. Also called: SEMA3B-related condition.

gnomAD v4.1: 33 of 1,561,038 alleles (0.0021%); highest among the groups gnomAD compares: Non-Finnish European, 0.0029%; no homozygotes.

Submission:

PreventionGenetics, part of Exact Sciences
Classification: Uncertain significance for SEMA3B-related condition. Last evaluated: 2024-12-28. Review status: criteria provided, single submitter. Criteria: ACMG Guidelines, 2015. Collection method: clinical testing. Allele origin: germline.
Comment: The SEMA3B c.663T>A variant is predicted to result in the amino acid substitution p.Asn221Lys. To our knowledge, this variant has not been reported in the literature. This variant is reported in 0.0015% of alleles in individuals of European (Non-Finnish) descent in gnomAD. At this time, the clinical significance of this variant is uncertain due to the absence of conclusive functional and genetic evidence.

NM_001290060.2(SEMA3B):c.663T>A (p.Asn221Lys)

Gene: SEMA3B (semaphorin 3B; plus strand). Cytogenetic location: 3p21.31.
Variant type: single nucleotide variant.
Coding change: c.663T>A on transcript NM_001290060.2 (MANE Select); coding-DNA position 663, T replaced by A.
Protein change: p.Asn221Lys; replaces asparagine 221 with lysine.
Molecular consequence: missense variant.
Genome position (GRCh38, 1-based): chr3:50,271,479, T>A. VCF-style: chr3-50271479-T-A. GRCh37 (hg19) VCF-style: chr3-50308910-T-A.
Other names: c.663T>A, p.Asn221Lys (NM_001005914.3, NM_001290061.1, NM_004636.4); short protein forms N221K.
Identifiers: ClinVar variation 2637163 (VCV002637163.2), dbSNP rs369647277, ClinGen allele CA352908306.